The following is an entry in ClinVar:

ClinVar aggregate classification (germline): Pathogenic. Review status: criteria provided, multiple submitters, no conflicts (2 of 4 stars). 2 submissions from 2 submitters: Pathogenic (2). Last evaluated 2024-02-21.

Conditions:
Joubert syndrome. Also called: CEREBELLOPARENCHYMAL DISORDER IV; JOUBERT-BOLTSHAUSER SYNDROME; Familial aplasia of the vermis. Identifiers: Orphanet 475, MedGen C5979921, MONDO:0018772.
Nephronophthisis. Also called: Juvenile Nephronophthisis. Identifiers: Orphanet 655, MedGen C0687120, MONDO:0019005, HP:0000090.
Meckel-Gruber syndrome. Also called: DYSENCEPHALIA SPLANCHNOCYSTICA; GRUBER SYNDROME; Dysencephalia splachnocystica. Identifiers: Orphanet 564, MedGen C0265215, MONDO:0018921.
Bardet-Biedl syndrome 14 (BBS14). Identifiers: Orphanet 110, MedGen C2673874, MONDO:0014442, OMIM 615991.

Submissions (2):

Baylor Genetics
Classification: Pathogenic for Bardet-Biedl syndrome 14. Last evaluated: 2024-02-21. Review status: criteria provided, single submitter. Criteria: ACMG Guidelines, 2015. Collection method: clinical testing. Allele origin: unknown.

Labcorp Genetics (formerly Invitae), Labcorp
Classification: Pathogenic for Joubert syndrome; Meckel-Gruber syndrome; Nephronophthisis. Last evaluated: 2023-02-21. Review status: criteria provided, single submitter. Criteria: Invitae Variant Classification Sherloc (09022015). Collection method: clinical testing. Allele origin: germline.
Comment: For these reasons, this variant has been classified as Pathogenic. This premature translational stop signal has been observed in individual(s) with CEP290-related conditions (PMID: 29398085). This variant is not present in population databases (gnomAD no frequency). This sequence change creates a premature translational stop signal (p.Leu388*) in the CEP290 gene. It is expected to result in an absent or disrupted protein product. Loss-of-function variants in CEP290 are known to be pathogenic (PMID: 16909394, 17345604, 20690115).

Literature cited by the submitters: PubMed 29398085 (cited by Labcorp Genetics (formerly Invitae), Labcorp); PubMed 16909394 (cited by Labcorp Genetics (formerly Invitae), Labcorp); PubMed 17345604 (cited by Labcorp Genetics (formerly Invitae), Labcorp); PubMed 20690115 (cited by Labcorp Genetics (formerly Invitae), Labcorp).

NM_025114.4(CEP290):c.1163T>A (p.Leu388Ter)

Gene: CEP290 (centrosomal protein 290; minus strand). Cytogenetic location: 12q21.32.
Variant type: single nucleotide variant.
Coding change: c.1163T>A on transcript NM_025114.4 (MANE Select); coding-DNA position 1163, T replaced by A.
Protein change: p.Leu388Ter; replaces leucine 388 with a stop codon.
Molecular consequence: nonsense.
Genome position (GRCh38, 1-based): chr12:88,125,272, A>T on the plus strand (T>A on the coding strand, the complement: CEP290 is on the minus strand). VCF-style: chr12-88125272-A-T. GRCh37 (hg19) VCF-style: chr12-88519049-A-T.
Other names: short protein forms L388*.
Identifiers: ClinVar variation 2938109 (VCV002938109.4), dbSNP rs2501272074, ClinGen allele CA385981152.